The following is an entry in ClinVar:

ClinVar aggregate classification (germline): Uncertain significance (1 of 4 stars; one submission).

Conditions:
Saldino-Mainzer syndrome (SRTD9). Also called: short-rib thoracic dysplasia 9 with or without polydactyly; CONORENAL SYNDROME; Renal dysplasia, retinal pigmentary dystrophy, cerebellar ataxia and skeletal dysplasia; SHORT-RIB THORACIC DYSPLASIA 9 WITHOUT POLYDACTYLY. Identifiers: Orphanet 140969, MedGen C1849437, MONDO:0009964, OMIM 266920.

Submission:

Labcorp Genetics (formerly Invitae), Labcorp
Classification: Uncertain significance for Saldino-Mainzer syndrome. Last evaluated: 2022-04-05. Review status: criteria provided, single submitter. Criteria: Invitae Variant Classification Sherloc (09022015). Collection method: clinical testing. Allele origin: germline.
Comment: This sequence change replaces aspartic acid, which is acidic and polar, with histidine, which is basic and polar, at codon 983 of the IFT140 protein (p.Asp983His). This variant is not present in population databases (gnomAD no frequency). In summary, the available evidence is currently insufficient to determine the role of this variant in disease. Therefore, it has been classified as a Variant of Uncertain Significance. Algorithms developed to predict the effect of missense changes on protein structure and function are either unavailable or do not agree on the potential impact of this missense change (SIFT: "Deleterious"; PolyPhen-2: "Probably Damaging"; Align-GVGD: "Class C0"). This variant has not been reported in the literature in individuals affected with IFT140-related conditions.

NM_014714.4(IFT140):c.2947G>C (p.Asp983His)

Genes: IFT140 (intraflagellar transport 140; minus strand), LOC126862260 (CDK7 strongly-dependent group 2 enhancer GRCh37_chr16:1574508-1575707; plus strand). Cytogenetic location: 16p13.3.
Variant type: single nucleotide variant.
Coding change: c.2947G>C on transcript NM_014714.4 (MANE Select); coding-DNA position 2947, G replaced by C.
Protein change: p.Asp983His; replaces aspartic acid 983 with histidine.
Molecular consequence: missense variant.
Genome position (GRCh38, 1-based): chr16:1,524,834, C>G on the plus strand (G>C on the coding strand, the complement: IFT140 is on the minus strand). VCF-style: chr16-1524834-C-G. GRCh37 (hg19) VCF-style: chr16-1574835-C-G.
Other names: short protein forms D983H.
Identifiers: ClinVar variation 2121843 (VCV002121843.4), dbSNP rs2506116345, ClinGen allele CA394226366.
Genomic context (GRCh38, chr16:1,524,834, plus strand): 5'-GGGACCTTACCTTCTGGACATTGCCCTGGAAGCAGTGGATGCGGACCAGGGAGAAGTGGT[C>G]CCGGGCCAGCTCGTAGTAGTGCAGCGCGGCGTCCATCTCGCCCTGGCTCTCCAGGTACTG-3'
Protein context (NP_055529.2, residues 973-993): AALHYYELAR[Asp983His]HFSLVRIHCF